The following is an entry in ClinVar:

ClinVar aggregate classification (germline): Uncertain significance (1 of 4 stars; one submission).

Conditions:
Polydactyly. Also called: polydactylism. Identifiers: MedGen C0152427, MONDO:0021003, OMIM 603596, HP:0010442.

Allele frequency attached by ClinVar (database versions not stated): gnomAD exomes 0.00001.
gnomAD v4.1: 4 of 1,614,100 alleles (0.00025%); highest among the groups gnomAD compares: Middle Eastern, 0.033%; no homozygotes.

Submission:

Broad Center for Mendelian Genomics, Broad Institute of MIT and Harvard
Classification: Uncertain significance for Polydactyly. Last evaluated: 2024-03-12. Review status: criteria provided, single submitter. Criteria: ACMG Guidelines, 2015. Collection method: curation. Allele origin: germline. Inheritance: Autosomal dominant inheritance.
Comment: To our knowledge, the p.Phe94Leu variant in TUBD1 has not been previously reported in individuals with Mendelian disease. This variant was absent from large population studies. Computational prediction tools and conservation analyses do not provide strong support for or against an impact to the protein. In summary, the clinical significance of the p.Phe94Leu variant is uncertain. ACMG/AMP Criteria applied: PM2_Supporting (Richards 2015).

Literature cited by the submitters: PubMed 39033378.

NM_016261.4(TUBD1):c.280T>C (p.Phe94Leu)

Gene: TUBD1 (tubulin delta 1; minus strand). Cytogenetic location: 17q23.1.
Variant type: single nucleotide variant.
Coding change: c.280T>C on transcript NM_016261.4 (MANE Select); coding-DNA position 280, T replaced by C.
Protein change: p.Phe94Leu; replaces phenylalanine 94 with leucine.
Molecular consequence: missense variant. On other transcripts: 5 prime UTR variant (1), intron variant (1).
Genome position (GRCh38, 1-based): chr17:59,886,123, A>G on the plus strand (T>C on the coding strand, the complement: TUBD1 is on the minus strand). VCF-style: chr17-59886123-A-G. GRCh37 (hg19) VCF-style: chr17-57963484-A-G.
Other names: NM_001193613.2:c.-112+6574T>C; c.280T>C, p.Phe94Leu (NM_001193609.2, NM_001193610.2, NM_001193611.2); c.-174T>C (NM_001193612.2); c.-112+6574T>C (NM_001193613.2); short protein forms F94L.
Identifiers: ClinVar variation 3061819 (VCV003061819.1), dbSNP rs2509279962, ClinGen allele CA400433728.